The following is an entry in ClinVar:

ClinVar aggregate classification (germline): Uncertain significance (1 of 4 stars; one submission).

Conditions:
FG syndrome (FGS). Identifiers: MedGen C0220769, MONDO:0002010.

Submission:

Labcorp Genetics (formerly Invitae), Labcorp
Classification: Uncertain significance for FG syndrome. Last evaluated: 2022-05-18. Review status: criteria provided, single submitter. Criteria: Invitae Variant Classification Sherloc (09022015). Collection method: clinical testing. Allele origin: germline.
Comment: This variant, c.6279_6290del, results in the deletion of 4 amino acid(s) of the MED12 protein (p.Gln2112_Gln2115del), but otherwise preserves the integrity of the reading frame. This variant is not present in population databases (gnomAD no frequency). This variant has not been reported in the literature in individuals affected with MED12-related conditions. Experimental studies and prediction algorithms are not available or were not evaluated, and the functional significance of this variant is currently unknown. In summary, the available evidence is currently insufficient to determine the role of this variant in disease. Therefore, it has been classified as a Variant of Uncertain Significance.

NM_005120.3(MED12):c.6279_6290del (p.Gln2112_Gln2115del)

Gene: MED12 (mediator complex subunit 12; plus strand). Cytogenetic location: Xq13.1.
Variant type: Deletion.
Coding change: c.6279_6290del on transcript NM_005120.3 (MANE Select); coding-DNA positions 6279 to 6290, 12 bases deleted (ACAGCAACAGCA).
Protein change: p.Gln2112_Gln2115del.
Molecular consequence: inframe deletion.
Genome position (GRCh38, 1-based): chrX:71,141,241-71,141,252, ACAGCAACAGCA deleted; deleting any 12 consecutive bases within chrX:71,141,236-71,141,252 gives the same sequence; the c. name uses the placement nearest the transcript's 3' end. VCF-style (leftmost placement, unchanged base first): chrX-71141235-GCAGCAACAGCAA-G. GRCh37 (hg19) VCF-style: chrX-70361085-GCAGCAACAGCAA-G.
Identifiers: ClinVar variation 1996217 (VCV001996217.4), dbSNP rs761195801, ClinGen allele CA2580101328.